The following is an entry in ClinVar:

ClinVar aggregate classification (germline): Uncertain significance (1 of 4 stars; one submission).

Allele frequency attached by ClinVar (database versions not stated): gnomAD exomes below 0.00001.
gnomAD v4.1: 1 of 1,613,860 alleles (0.000062%); highest among the groups gnomAD compares: South Asian, 0.0011%; no homozygotes.

Submission:

Labcorp Genetics (formerly Invitae), Labcorp
Classification: Uncertain significance. Last evaluated: 2023-05-09. Review status: criteria provided, single submitter. Criteria: Invitae Variant Classification Sherloc (09022015). Collection method: clinical testing. Allele origin: germline.
Comment: This variant is present in population databases (no rsID available, gnomAD 0.003%). This sequence change replaces alanine, which is neutral and non-polar, with threonine, which is neutral and polar, at codon 224 of the LOX protein (p.Ala224Thr). This variant has not been reported in the literature in individuals affected with LOX-related conditions. In summary, the available evidence is currently insufficient to determine the role of this variant in disease. Therefore, it has been classified as a Variant of Uncertain Significance. Advanced modeling of protein sequence and biophysical properties (such as structural, functional, and spatial information, amino acid conservation, physicochemical variation, residue mobility, and thermodynamic stability) has been performed at Invitae for this missense variant, however the output from this modeling did not meet the statistical confidence thresholds required to predict the impact of this variant on LOX protein function.

NM_002317.7(LOX):c.670G>A (p.Ala224Thr)

Genes: LOX (lysyl oxidase; minus strand), SRFBP1 (serum response factor binding protein 1; plus strand). Cytogenetic location: 5q23.1.
Variant type: single nucleotide variant.
Coding change: c.670G>A on transcript NM_002317.7 (MANE Select); coding-DNA position 670, G replaced by A.
Protein change: p.Ala224Thr; replaces alanine 224 with threonine.
Molecular consequence: missense variant. On other transcripts: 5 prime UTR variant (1), intron variant (1).
Genome position (GRCh38, 1-based): chr5:122,076,963, C>T on the plus strand (G>A on the coding strand, the complement: LOX is on the minus strand). VCF-style: chr5-122076963-C-T. GRCh37 (hg19) VCF-style: chr5-121412658-C-T.
Other names: c.-21G>A (NM_001178102.2); c.-152+129G>A (NM_001317073.1); short protein forms A224T.
Identifiers: ClinVar variation 2778121 (VCV002778121.3), dbSNP rs1282574280, ClinGen allele CA360875128.